The following is an entry in ClinVar:

ClinVar aggregate classification (germline): Uncertain significance. Review status: criteria provided, multiple submitters, no conflicts (2 of 4 stars). 2 submissions from 2 submitters: Uncertain significance (2). Last evaluated 2024-03-28.

Conditions:
Inborn genetic diseases. Identifiers: MedGen C0950123, MeSH D030342.

Allele frequency attached by ClinVar (database versions not stated): TOPMed below 0.00001; ExAC 0.00001; gnomAD 0.00001; gnomAD exomes 0.00001.
gnomAD v4.1: 11 of 1,614,074 alleles (0.00068%); highest among the groups gnomAD compares: East Asian, 0.013%; no homozygotes.

Submissions (2):

Ambry Genetics
Classification: Uncertain significance for Inborn genetic diseases. Last evaluated: 2024-03-28. Review status: criteria provided, single submitter. Criteria: Ambry Variant Classification Scheme 2023. Collection method: clinical testing. Allele origin: germline.

Laboratory for Molecular Medicine, Mass General Brigham Personalized Medicine
Classification: Uncertain significance. Last evaluated: 2023-03-16. Review status: criteria provided, single submitter. Criteria: ACMG Guidelines, 2015. Collection method: clinical testing. Allele origin: germline.
Comment: The p.Ala106Val variant in BSND has not been previously reported in individuals with hearing loss but has been identified in 0.02% (1/4824) of South Asian chromosomes by gnomAD v. 3. Computational prediction tools and conservation analyses do not provide strong support for or against an impact to the protein. In summary, the clinical significance of this variant is uncertain. ACMG/AMP Criteria applied: none.

NM_057176.3(BSND):c.317C>T (p.Ala106Val)

Gene: BSND (barttin CLCNK type accessory subunit beta; plus strand). Cytogenetic location: 1p32.3.
Variant type: single nucleotide variant.
Coding change: c.317C>T on transcript NM_057176.3 (MANE Select); coding-DNA position 317, C replaced by T.
Protein change: p.Ala106Val; replaces alanine 106 with valine.
Molecular consequence: missense variant.
Genome position (GRCh38, 1-based): chr1:55,007,041, C>T. VCF-style: chr1-55007041-C-T. GRCh37 (hg19) VCF-style: chr1-55472714-C-T.
Other names: c.317C>T (NM_057176.2); short protein forms A106V.
Identifiers: ClinVar variation 3075942 (VCV003075942.2), dbSNP rs746259384, ClinGen allele CA871304.